The following is an entry in ClinVar:

NM_004385.5(VCAN):c.6788T>C (p.Leu2263Ser)

Genes: VCAN (versican; plus strand), VCAN-AS1 (VCAN antisense RNA 1; minus strand). Cytogenetic location: 5q14.3.
Variant type: single nucleotide variant.
Coding change: c.6788T>C on transcript NM_004385.5 (MANE Select); coding-DNA position 6788, T replaced by C.
Protein change: p.Leu2263Ser; replaces leucine 2263 with serine.
Molecular consequence: missense variant. On other transcripts: intron variant (2).
Genome position (GRCh38, 1-based): chr5:83,539,791, T>C. VCF-style: chr5-83539791-T-C. GRCh37 (hg19) VCF-style: chr5-82835610-T-C.
Other names: c.3827T>C, p.Leu1276Ser (NM_001164097.2); c.4004-5746T>C (NM_001164098.2); c.1043-5746T>C (NM_001126336.3); c.6788T>C (NM_004385.4); short protein forms L2263S, L1276S.
Identifiers: ClinVar variation 3003213 (VCV003003213.4), dbSNP rs1287265979, ClinGen allele CA360313336.

ClinVar aggregate classification (germline): Uncertain significance. Review status: criteria provided, multiple submitters, no conflicts (2 of 4 stars). 2 submissions from 2 submitters: Uncertain significance (2). Last evaluated 2026-07-29.

Conditions:
VCAN-related disorder. Also called: VCAN-related condition.

Allele frequency attached by ClinVar (database versions not stated): TOPMed below 0.00001; gnomAD 0.00001; gnomAD exomes 0.00001.
gnomAD v4.1: 10 of 1,614,006 alleles (0.00062%); highest among the groups gnomAD compares: South Asian, 0.0088%; no homozygotes.

Submissions (2):

PreventionGenetics, part of Exact Sciences
Classification: Uncertain significance for VCAN-related condition. Last evaluated: 2026-07-29. Review status: criteria provided, single submitter. Criteria: ACMG Guidelines, 2015. Collection method: clinical testing. Allele origin: germline.
Comment: The VCAN c.6788T>C variant is predicted to result in the amino acid substitution p.Leu2263Ser. To our knowledge, this variant has not been reported in the literature. This variant is present in 0.0065% of alleles in individuals of South Asian descent in gnomAD. At this time, the clinical significance of this variant is uncertain due to the absence of conclusive functional and genetic evidence.

Labcorp Genetics (formerly Invitae), Labcorp
Classification: Uncertain significance. Last evaluated: 2023-12-13. Review status: criteria provided, single submitter. Criteria: Invitae Variant Classification Sherloc (09022015). Collection method: clinical testing. Allele origin: germline.
Comment: This sequence change replaces leucine, which is neutral and non-polar, with serine, which is neutral and polar, at codon 2263 of the VCAN protein (p.Leu2263Ser). This variant is present in population databases (no rsID available, gnomAD 0.007%). This variant has not been reported in the literature in individuals affected with VCAN-related conditions. An algorithm developed to predict the effect of missense changes on protein structure and function (PolyPhen-2) suggests that this variant is likely to be tolerated. In summary, the available evidence is currently insufficient to determine the role of this variant in disease. Therefore, it has been classified as a Variant of Uncertain Significance.